The following is an entry in ClinVar:

ClinVar aggregate classification (germline): Uncertain significance (1 of 4 stars; one submission).

Allele frequency attached by ClinVar (database versions not stated): gnomAD exomes below 0.00001.
gnomAD v4.1: 2 of 1,614,094 alleles (0.00012%); highest among the groups gnomAD compares: Non-Finnish European, 0.000085%; no homozygotes.

Submission:

GeneDx
Classification: Uncertain significance. Last evaluated: 2023-02-22. Review status: criteria provided, single submitter. Criteria: GeneDx Variant Classification Process June 2021. Collection method: clinical testing. Allele origin: germline. Affected: yes.
Comment: Not observed at significant frequency in large population cohorts (gnomAD); In silico analysis supports that this missense variant does not alter protein structure/function; Has not been previously published as pathogenic or benign to our knowledge

NM_015100.4(POGZ):c.3695G>A (p.Arg1232His)

Gene: POGZ (pogo transposable element derived with ZNF domain; minus strand). Cytogenetic location: 1q21.3.
Variant type: single nucleotide variant.
Coding change: c.3695G>A on transcript NM_015100.4 (MANE Select); coding-DNA position 3695, G replaced by A.
Protein change: p.Arg1232His; replaces arginine 1232 with histidine.
Molecular consequence: missense variant.
Genome position (GRCh38, 1-based): chr1:151,405,340, C>T on the plus strand (G>A on the coding strand, the complement: POGZ is on the minus strand). VCF-style: chr1-151405340-C-T. GRCh37 (hg19) VCF-style: chr1-151377816-C-T.
Other names: c.3668G>A, p.Arg1223His (NM_001194937.2); c.3509G>A, p.Arg1170His (NM_001194938.2); c.3716G>A, p.Arg1239His (NM_001410860.1); c.3410G>A, p.Arg1137His (NM_145796.4); c.3536G>A, p.Arg1179His (NM_207171.2); short protein forms R1137H, R1170H, R1179H, R1223H, R1232H, R1239H.
Identifiers: ClinVar variation 2579416 (VCV002579416.1), dbSNP rs2529197905, ClinGen allele CA341940289.